The following is an entry in ClinVar:

NM_000439.5(PCSK1):c.413C>T (p.Thr138Met)

Genes: CAST (calpastatin; plus strand), PCSK1 (proprotein convertase subtilisin/kexin type 1; minus strand), LOC101929710 (uncharacterized LOC101929710; plus strand). Cytogenetic location: 5q15.
Variant type: single nucleotide variant.
Coding change: c.413C>T on transcript NM_000439.5 (MANE Select); coding-DNA position 413, C replaced by T.
Protein change: p.Thr138Met; replaces threonine 138 with methionine.
Molecular consequence: missense variant. On other transcripts: intron variant (11).
Genome position (GRCh38, 1-based): chr5:96,423,443, G>A on the plus strand (C>T on the coding strand, the complement: PCSK1 is on the minus strand). VCF-style: chr5-96423443-G-A. GRCh37 (hg19) VCF-style: chr5-95759147-G-A.
Other names: c.272C>T, p.Thr91Met (NM_001177875.2); c.-175+43791G>A (NM_001423254.1, NM_001423259.1, NM_001423255.1 and 6 more transcripts); c.-103+43791G>A (NM_001423253.1); c.-40+43791G>A (NM_001423258.1); short protein forms T138M, T91M.
Identifiers: ClinVar variation 2634222 (VCV002634222.21), dbSNP rs759857993, ClinGen allele CA3350485.

ClinVar aggregate classification (germline): Conflicting classifications of pathogenicity. Review status: criteria provided, conflicting classifications (1 of 4 stars). 2 submissions from 2 submitters: Uncertain significance (1); Likely benign (1). Last evaluated 2024-02-01.

Conditions:
PCSK1-related disorder. Also called: PCSK1-related condition.

Allele frequency attached by ClinVar (database versions not stated): gnomAD 0.00003; TOPMed 0.00002.
gnomAD v4.1: 22 of 1,613,820 alleles (0.0014%); highest among the groups gnomAD compares: Admixed American, 0.0067%; no homozygotes.

Submissions (2):

CeGaT Center for Human Genetics Tuebingen
Classification: Likely benign. Last evaluated: 2024-02-01. Review status: criteria provided, single submitter. Criteria: CeGaT Center For Human Genetics Tuebingen Variant Classification Criteria Version 2. Collection method: clinical testing. Allele origin: germline. Affected: yes. Observed: 1 variant allele.
Comment: PCSK1: BP4

PreventionGenetics, part of Exact Sciences
Classification: Uncertain significance for PCSK1-related condition. Last evaluated: 2022-10-25. Review status: criteria provided, single submitter. Criteria: ACMG Guidelines, 2015. Collection method: clinical testing. Allele origin: germline.
Comment: The PCSK1 c.413C>T variant is predicted to result in the amino acid substitution p.Thr138Met. To our knowledge, this variant has not been reported in the literature. This variant is reported in 0.0085% of alleles in individuals of Latino descent in gnomAD. At this time, the clinical significance of this variant is uncertain due to the absence of conclusive functional and genetic evidence.